The following is an entry in ClinVar:

NM_007373.4(SHOC2):c.-179T>A

Gene: SHOC2 (SHOC2 leucine rich repeat scaffold protein; plus strand). Cytogenetic location: 10q25.2.
Variant type: single nucleotide variant.
Coding change: c.-179T>A on transcript NM_007373.4 (MANE Select); 179 bases upstream of the start codon, T replaced by A.
Molecular consequence: 5 prime UTR variant.
Genome position (GRCh38, 1-based): chr10:110,964,180, T>A. VCF-style: chr10-110964180-T-A. GRCh37 (hg19) VCF-style: chr10-112723938-T-A.
Other names: c.-179T>A (NM_001269039.3, NM_001324336.2, NM_001324337.2).
Identifiers: ClinVar variation 165236 (VCV000165236.9), dbSNP rs143180451, ClinGen allele CA177983.

ClinVar aggregate classification (germline): Benign/Likely benign. Review status: criteria provided, multiple submitters, no conflicts (2 of 4 stars). 2 submissions from 2 submitters: Benign (1); Likely benign (1). Last evaluated 2018-01-12.

Conditions:
Noonan syndrome-like disorder with loose anagen hair 1 (NSLH1). Also called: TOSTI SYNDROME; MAZZANTI SYNDROME. Identifiers: Orphanet 2701, MedGen C4478716, MONDO:0054637, OMIM 607721.

Allele frequency attached by ClinVar (database versions not stated): gnomAD 0.00080; TOPMed 0.00083; 1000 Genomes Project 0.00100; 1000 Genomes Project 30x 0.00125; gnomAD exomes 0.00127.
gnomAD v4.1: 970 of 833,910 alleles (0.12%); highest among the groups gnomAD compares: Non-Finnish European, 0.16%; 2 homozygotes.

Submissions (2):

Illumina Laboratory Services, Illumina
Classification: Benign for Noonan syndrome-like disorder with loose anagen hair 1. Last evaluated: 2018-01-12. Review status: criteria provided, single submitter. Criteria: ICSL Variant Classification Criteria 13 December 2019. Collection method: clinical testing. Allele origin: germline.
Comment: This variant was observed in the ICSL laboratory as part of a predisposition screen in an ostensibly healthy population. It had not been previously curated by ICSL or reported in the Human Gene Mutation Database (HGMD: prior to June 1st, 2018), and was therefore a candidate for classification through an automated scoring system. Utilizing variant allele frequency, disease prevalence and penetrance estimates, and inheritance mode, an automated score was calculated to assess if this variant is too frequent to cause the disease. Based on the score and internal cut-off values, a variant classified as benign is not then subjected to further curation. The score for this variant resulted in a classification of benign for this disease.

Laboratory for Molecular Medicine, Mass General Brigham Personalized Medicine
Classification: Likely benign. Last evaluated: 2010-05-27. Review status: criteria provided, single submitter. Criteria: LMM Criteria. Collection method: clinical testing. Allele origin: germline. Observed: 4 variant alleles.